The following is an entry in ClinVar:

NM_002439.5(MSH3):c.1763+5A>G

Gene: MSH3 (mutS homolog 3; plus strand). Cytogenetic location: 5q14.1.
Variant type: single nucleotide variant.
Coding change: c.1763+5A>G on transcript NM_002439.5 (MANE Select); 5 bases into the intron after coding-DNA position 1763, A replaced by G.
Molecular consequence: intron variant.
Genome position (GRCh38, 1-based): chr5:80,744,620, A>G. VCF-style: chr5-80744620-A-G. GRCh37 (hg19) VCF-style: chr5-80040439-A-G.
Identifiers: ClinVar variation 2446934 (VCV002446934.3), dbSNP rs370801479, ClinGen allele CA3328023.

ClinVar aggregate classification (germline): Uncertain significance. Review status: criteria provided, multiple submitters, no conflicts (2 of 4 stars). 2 submissions from 2 submitters: Uncertain significance (2). Last evaluated 2025-05-15.

Conditions:
Hereditary cancer-predisposing syndrome. Also called: Neoplastic Syndromes, Hereditary; Hereditary Cancer Syndrome; Tumor predisposition; Hereditary neoplastic syndrome. Identifiers: Orphanet 140162, MedGen C0027672, MeSH D009386, MONDO:0015356.

Allele frequency attached by ClinVar (database versions not stated): ExAC 0.00001; gnomAD 0.00001; TOPMed 0.00002; ESP Exome Variant Server 0.00008.
gnomAD v4.1: 2 of 1,597,036 alleles (0.00013%); highest among the groups gnomAD compares: Non-Finnish European, 0.00017%; no homozygotes.

Submissions (2):

Labcorp Genetics (formerly Invitae), Labcorp
Classification: Uncertain significance. Last evaluated: 2025-05-15. Review status: criteria provided, single submitter. Criteria: Invitae Variant Classification Sherloc (09022015). Collection method: clinical testing. Allele origin: germline.
Comment: This sequence change falls in intron 12 of the MSH3 gene. It does not directly change the encoded amino acid sequence of the MSH3 protein. It affects a nucleotide within the consensus splice site. This variant is present in population databases (rs370801479, gnomAD 0.0009%). This variant has not been reported in the literature in individuals affected with MSH3-related conditions. ClinVar contains an entry for this variant (Variation ID: 2446934). Variants that disrupt the consensus splice site are a relatively common cause of aberrant splicing (PMID: 17576681, 9536098). Algorithms developed to predict the effect of sequence changes on RNA splicing suggest that this variant is not likely to affect RNA splicing. In summary, the available evidence is currently insufficient to determine the role of this variant in disease. Therefore, it has been classified as a Variant of Uncertain Significance.

Ambry Genetics
Classification: Uncertain significance for Hereditary cancer-predisposing syndrome. Last evaluated: 2022-11-21. Review status: criteria provided, single submitter. Criteria: Ambry Variant Classification Scheme 2023. Collection method: clinical testing. Allele origin: germline.
Comment: The c.1763+5A>G intronic variant results from an A to G substitution 5 nucleotides after coding exon 12 in the MSH3 gene. This nucleotide position is well conserved on limited sequence alignment. In silico splice site analysis predicts that this alteration will not have any significant effect on splicing. Since supporting evidence is limited at this time, the clinical significance of this alteration remains unclear.

Literature cited by the submitters: PubMed 17576681 (cited by Labcorp Genetics (formerly Invitae), Labcorp); PubMed 9536098 (cited by Labcorp Genetics (formerly Invitae), Labcorp).